The following is an entry in ClinVar:

ClinVar aggregate classification (germline): Uncertain significance (1 of 4 stars; one submission).

Allele frequency attached by ClinVar (database versions not stated): TOPMed below 0.00001; gnomAD 0.00001.
gnomAD v4.1: 12 of 1,614,084 alleles (0.00074%); highest among the groups gnomAD compares: East Asian, 0.0022%; no homozygotes.

Submission:

GeneDx
Classification: Uncertain significance. Last evaluated: 2019-05-24. Review status: criteria provided, single submitter. Criteria: GeneDx Variant Classification Process June 2021. Collection method: clinical testing. Allele origin: germline. Affected: yes.
Comment: Has not been previously published as pathogenic or benign to our knowledge; Not observed in large population cohorts (Lek et al., 2016); In silico analysis, which includes protein predictors and evolutionary conservation, supports a deleterious effect

NM_000453.3(SLC5A5):c.791C>T (p.Ala264Val)

Gene: SLC5A5 (solute carrier family 5 member 5; plus strand). Cytogenetic location: 19p13.11.
Variant type: single nucleotide variant.
Coding change: c.791C>T on transcript NM_000453.3 (MANE Select); coding-DNA position 791, C replaced by T.
Protein change: p.Ala264Val; replaces alanine 264 with valine.
Molecular consequence: missense variant.
Genome position (GRCh38, 1-based): chr19:17,877,815, C>T. VCF-style: chr19-17877815-C-T. GRCh37 (hg19) VCF-style: chr19-17988624-C-T.
Other names: short protein forms A264V.
Identifiers: ClinVar variation 1305965 (VCV001305965.2), dbSNP rs1426316490, ClinGen allele CA404783959.